The following is an entry in ClinVar:

ClinVar aggregate classification (germline): Uncertain significance (1 of 4 stars; one submission).

Submission:

Ambry Genetics
Classification: Uncertain significance. Last evaluated: 2025-06-02. Review status: criteria provided, single submitter. Criteria: Ambry Variant Classification Scheme 2023. Collection method: clinical testing. Allele origin: germline.
Comment: The p.G397R variant (also known as c.1189G>C), located in coding exon 6 of the GFI1 gene, results from a G to C substitution at nucleotide position 1189. The glycine at codon 397 is replaced by arginine, an amino acid with dissimilar properties. This amino acid position is conserved. In addition, this alteration is predicted to be tolerated by in silico analysis. Based on the available evidence, the clinical significance of this variant remains unclear.

NM_005263.5(GFI1):c.1189G>C (p.Gly397Arg)

Genes: GFI1 (growth factor independent 1 transcriptional repressor; minus strand), LOC129930930 (ATAC-STARR-seq lymphoblastoid active region 1314; plus strand). Cytogenetic location: 1p22.1.
Variant type: single nucleotide variant.
Coding change: c.1189G>C on transcript NM_005263.5 (MANE Select); coding-DNA position 1189, G replaced by C.
Protein change: p.Gly397Arg; replaces glycine 397 with arginine.
Molecular consequence: missense variant.
Genome position (GRCh38, 1-based): chr1:92,476,109, C>G on the plus strand (G>C on the coding strand, the complement: GFI1 is on the minus strand). VCF-style: chr1-92476109-C-G. GRCh37 (hg19) VCF-style: chr1-92941666-C-G.
Other names: c.1189G>C, p.Gly397Arg (NM_001127215.3, NM_001127216.3); short protein forms G397R.
Identifiers: ClinVar variation 4029444 (VCV004029444.1).